The following is an entry in ClinVar:

ClinVar aggregate classification (germline): Likely benign. Review status: criteria provided, multiple submitters, no conflicts (2 of 4 stars). 6 submissions from 6 submitters: Likely benign (3). 3 of the submissions do not count toward it. Last evaluated 2025-09-23.

Conditions:
DNM1-related disorder. Also called: DNM1-related condition.
Developmental and epileptic encephalopathy, 31A. Also called: Epileptic encephalopathy, early infantile, 31; Developmental and epileptic encephalopathy, 31. Identifiers: Orphanet 2382, MedGen C4225357, MONDO:0014598, OMIM 616346.

Allele frequency attached by ClinVar (database versions not stated): gnomAD exomes 0.00004; gnomAD 0.00005; TOPMed 0.00007.
gnomAD v4.1: 35 of 1,529,836 alleles (0.0023%); highest among the groups gnomAD compares: Admixed American, 0.022%; no homozygotes.

Submissions (6):

Labcorp Genetics (formerly Invitae), Labcorp
Classification: Likely benign for Developmental and epileptic encephalopathy, 31A. Last evaluated: 2025-09-23. Review status: criteria provided, single submitter. Criteria: Invitae Variant Classification Sherloc (09022015). Collection method: clinical testing. Allele origin: germline.

Blueprint Genetics
Classification: Likely benign. Last evaluated: 2023-03-29. Review status: criteria provided, single submitter. Criteria: ACMG Guidelines, 2015. Collection method: clinical testing. Allele origin: germline.

GeneDx
Classification: Likely benign. Last evaluated: 2018-01-31. Review status: criteria provided, single submitter. Criteria: GeneDx Variant Classification (06012015). Collection method: clinical testing. Allele origin: germline. Affected: yes.
Comment: This variant is considered likely benign or benign based on one or more of the following criteria: it is a conservative change, it occurs at a poorly conserved position in the protein, it is predicted to be benign by multiple in silico algorithms, and/or has population frequency not consistent with disease.

PreventionGenetics, part of Exact Sciences
Classification: Likely benign for DNM1-related condition. Last evaluated: 2024-08-20. Review status: no assertion criteria provided. Collection method: clinical testing. Allele origin: germline. Not counted in ClinVar's aggregate classification.
Comment: This variant is classified as likely benign based on ACMG/AMP sequence variant interpretation guidelines (Richards et al. 2015 PMID: 25741868, with internal and published modifications).

Genome Diagnostics Laboratory, University Medical Center Utrecht
Classification: Likely benign. Review status: no assertion criteria provided. Collection method: clinical testing. Allele origin: germline. Affected: yes. Study: VKGL Data-share Consensus. Not counted in ClinVar's aggregate classification.

Laboratory of Diagnostic Genome Analysis, Leiden University Medical Center (LUMC)
Classification: Likely benign. Review status: no assertion criteria provided. Collection method: clinical testing. Allele origin: germline. Affected: yes. Study: VKGL Data-share Consensus. Not counted in ClinVar's aggregate classification.

NM_004408.4(DNM1):c.1422+7C>A

Gene: DNM1 (dynamin 1; plus strand). Cytogenetic location: 9q34.11.
Variant type: single nucleotide variant.
Coding change: c.1422+7C>A on transcript NM_004408.4 (MANE Select); 7 bases into the intron after coding-DNA position 1422, C replaced by A.
Molecular consequence: intron variant.
Genome position (GRCh38, 1-based): chr9:128,234,114, C>A. VCF-style: chr9-128234114-C-A. GRCh37 (hg19) VCF-style: chr9-130996393-C-A.
Other names: c.1422+7C>A (NM_001005336.3, NM_001288738.2, NM_001288737.2 and 1 more transcripts).
Identifiers: ClinVar variation 390345 (VCV000390345.16), dbSNP rs761674210, ClinGen allele CA5258151.
Genomic context (GRCh38, chr9:128,234,114, plus strand): 5'-GAGCGCATCGTGACCACCCACATCCGGGAGCGCGAGGGCCGCACTAAGGAGCAGGTGAGC[C>A]CCGCAGCACCCGGCCTGGCCGCGCCTTCCTTCCACTCCTGGCCGCCTGCGCCTTCCACTC-3'